The following is an entry in ClinVar:

ClinVar aggregate classification (germline): Uncertain significance (1 of 4 stars; one submission).

Conditions:
Spastic ataxia 2. Also called: Ataxia, spastic, 2, autosomal recessive. Identifiers: Orphanet 397946, MedGen C1969796, MONDO:0012651, OMIM 611302.

Submission:

Labcorp Genetics (formerly Invitae), Labcorp
Classification: Uncertain significance for Spastic ataxia 2. Last evaluated: 2022-08-10. Review status: criteria provided, single submitter. Criteria: Invitae Variant Classification Sherloc (09022015). Collection method: clinical testing. Allele origin: germline.
Comment: This variant, c.2853_2861del, results in the deletion of 3 amino acid(s) of the KIF1C protein (p.Leu952_Gly954del), but otherwise preserves the integrity of the reading frame. This variant is present in population databases (rs767952241, gnomAD 0.001%). This variant has not been reported in the literature in individuals affected with KIF1C-related conditions. Experimental studies and prediction algorithms are not available or were not evaluated, and the functional significance of this variant is currently unknown. In summary, the available evidence is currently insufficient to determine the role of this variant in disease. Therefore, it has been classified as a Variant of Uncertain Significance.

NM_006612.6(KIF1C):c.2853_2861del (p.949LQG[1])

Gene: KIF1C (kinesin family member 1C; plus strand). Cytogenetic location: 17p13.2.
Variant type: Deletion.
Coding change: c.2853_2861del on transcript NM_006612.6 (MANE Select); coding-DNA positions 2853 to 2861, 9 bases deleted (ACTGCAGGG; older notation c.2853_2861delACTGCAGGG).
Protein change: p.949LQG[1].
Molecular consequence: inframe deletion.
Genome position (GRCh38, 1-based): chr17:5,023,692-5,023,700, ACTGCAGGG deleted; deleting any 9 consecutive bases within chr17:5,023,684-5,023,700 gives the same sequence; the c. name uses the placement nearest the transcript's 3' end. VCF-style (leftmost placement, unchanged base first): chr17-5023683-GCTGCAGGGA-G. GRCh37 (hg19) VCF-style: chr17-4926978-GCTGCAGGGA-G.
Identifiers: ClinVar variation 2085831 (VCV002085831.4), dbSNP rs767952241, ClinGen allele CA8319407.
Genomic context (GRCh38, chr17:5,023,683, plus strand): 5'-GGAGGAGGACCCTGCCTTCCGTCGTGGTCGTCTTCGCTGGCTCAAGCAGGAGCAGCTACG[GCTGCAGGGA>G]CTGCAGGGCTCTGGGGGCCGGGGCGGGGGGCTGCGCAGGCCCCCAGCCCGCTTTGTGCCC-3'